The following is an entry in ClinVar:

NM_016239.4(MYO15A):c.4777G>A (p.Glu1593Lys)

Gene: MYO15A (myosin XVA; plus strand). Cytogenetic location: 17p11.2.
Variant type: single nucleotide variant.
Coding change: c.4777G>A on transcript NM_016239.4 (MANE Select); coding-DNA position 4777, G replaced by A.
Protein change: p.Glu1593Lys; replaces glutamic acid 1593 with lysine.
Molecular consequence: missense variant.
Genome position (GRCh38, 1-based): chr17:18,136,684, G>A. VCF-style: chr17-18136684-G-A. GRCh37 (hg19) VCF-style: chr17-18039998-G-A.
Other names: short protein forms E1593K.
Identifiers: ClinVar variation 179930 (VCV000179930.40), dbSNP rs376469502, ClinGen allele CA185452.

ClinVar aggregate classification (germline): Pathogenic/Likely pathogenic. Review status: criteria provided, multiple submitters, no conflicts (2 of 4 stars). 11 submissions from 11 submitters: Pathogenic (4); Likely pathogenic (5). 2 of the submissions do not count toward it. Last evaluated 2026-03-12.

Conditions:
Monogenic hearing loss.
MYO15A-related disorder. Also called: MYO15A-related condition.
Autosomal recessive nonsyndromic hearing loss 3. Also called: NEUROSENSORY NONSYNDROMIC RECESSIVE DEAFNESS 3. Identifiers: Orphanet 90636, MedGen C1838263, MONDO:0010860, OMIM 600316.

Allele frequency attached by ClinVar (database versions not stated): ESP Exome Variant Server 0.00008; gnomAD 0.00008 and 0.00007; TOPMed 0.00008; ExAC 0.00010; gnomAD exomes 0.00007.
gnomAD v4.1: 135 of 1,603,048 alleles (0.0084%); highest among the groups gnomAD compares: Non-Finnish European, 0.01%; no homozygotes.

Submissions (11):

Victorian Clinical Genetics Services, Murdoch Childrens Research Institute
Classification: Pathogenic for Autosomal recessive nonsyndromic hearing loss 3. Last evaluated: 2026-03-12. Review status: criteria provided, single submitter. Criteria: ACMG Guidelines, 2015. Collection method: clinical testing. Allele origin: germline. Affected: yes.
Comment: This variant is classified as Pathogenic. Evidence in support of pathogenic classification: Variant is present in gnomAD <0.01 for a recessive condition (v4: 135 heterozygote(s), 0 homozygote(s)); This variant has strong previous evidence of pathogenicity in unrelated individuals. It has been reported in the literature in at least four individuals with hearing impairment as compound heterozygous or homozygous (PMID: 27344577, 29196752, 26969326). Additionally, it has been classified as likely pathogenic/pathogenic by multiple clinical laboratories in ClinVar; Missense variant predicted to be damaging by in silico tool(s) or highly conserved with a major amino acid change. Additional information: Variant is predicted to result in a missense amino acid change from Glu to Lys; This variant is heterozygous; This gene is associated with autosomal recessive disease; Alternative amino acid change(s) at the same position are present in gnomAD (v4: 1 heterozygote(s), 0 homozygote(s)); Variant is located in the annotated myosin motor domain (NCBI, Uniprot); Loss of function is a known mechanism of disease in this gene and is associated with deafness, autosomal recessive 3 (MIM#600316); Inheritance information for this variant is not currently available in this individual.

GeneDx
Classification: Likely pathogenic. Last evaluated: 2026-02-03. Review status: criteria provided, single submitter. Criteria: GeneDx Variant Classification Process June 2021. Collection method: clinical testing. Allele origin: germline. Affected: yes.
Comment: In silico analysis supports that this missense variant has a deleterious effect on protein structure/function; This variant is associated with the following publications: (PMID: 27375115, 26969326, 32658404, 27344577, 35346193, 29196752, 32860223, 32617096, 32802042, 40052343)

PreventionGenetics, part of Exact Sciences
Classification: Likely pathogenic for MYO15A-related condition. Last evaluated: 2026-01-27. Review status: criteria provided, single submitter. Criteria: ACMG Guidelines, 2015. Collection method: clinical testing. Allele origin: germline.
Comment: The MYO15A c.4777G>A variant is predicted to result in the amino acid substitution p.Glu1593Lys. This variant has been reported in multiple individuals with autosomal recessive non-syndromic hearing loss (Sloan-Heggen et al. 2016. PubMed ID: 26969326; Table S2, Baux et al. 2017. PubMed ID: 29196752; Yoon et al. 2020. PubMed ID: 32658404; Table S1, Safka Brozkova et al. 2020. PubMed ID: 32860223; Fu et al. 2022. PubMed ID: 35346193). This variant is reported in 0.012% of alleles in individuals of European (non-Finnish) descent in gnomAD. An alternate missense impacting the same amino acid (p.Glu1593Gly) has also been reported in an individual with autosomal recessive non-syndromic hearing loss (Wonkam et al. 2022. PubMed ID: 35440622). This variant is interpreted as likely pathogenic.

Genetics Laboratory, Great Ormond Street Hospital NHS Foundation Trust, North Thames Genomic Laboratory Hub
Classification: Pathogenic for Monogenic hearing loss. Last evaluated: 2025-09-11. Review status: criteria provided, single submitter. Criteria: ACGS Best Practice Guidelines for Variant Classification in Rare Disease 2024 v1.2. Collection method: clinical testing. Allele origin: germline. Affected: yes.
Comment: PM2_moderate, PP3_supporting, PM3_very-strong

3billion
Classification: Likely pathogenic for Autosomal recessive nonsyndromic hearing loss 3. Last evaluated: 2024-08-14. Review status: criteria provided, single submitter. Criteria: ACMG Guidelines, 2015. Collection method: clinical testing. Allele origin: germline. Affected: yes.
Comment: The variant is observed at an extremely low frequency in the gnomAD v4.0.0 dataset (total allele frequency: 0.008%). Predicted Consequence/Location: The majority of the known disease-causing variants of this gene are variants expected to result in premature termination of the protein. In silico tool predictions suggest damaging effect of the variant on gene or gene product [REVEL: 0.96 (>=0.6, sensitivity 0.68 and specificity 0.92); 3Cnet: 0.15 (>=0.6, sensitivity 0.72 and precision 0.9)]. The same nucleotide change resulting in the same amino acid change has been previously reported as pathogenic/likely pathogenic with strong evidence (ClinVar ID: VCV000179930 /PMID: 26969326). Therefore, this variant is classified as Likely pathogenic according to the recommendation of ACMG/AMP guideline.

Labcorp Genetics (formerly Invitae), Labcorp
Classification: Pathogenic. Last evaluated: 2024-06-21. Review status: criteria provided, single submitter. Criteria: Invitae Variant Classification Sherloc (09022015). Collection method: clinical testing. Allele origin: germline.
Comment: This sequence change replaces glutamic acid, which is acidic and polar, with lysine, which is basic and polar, at codon 1593 of the MYO15A protein (p.Glu1593Lys). This variant is present in population databases (rs376469502, gnomAD 0.01%). This missense change has been observed in individual(s) with autosomal recessive deafness (PMID: 26969326, 32860223; Invitae). In at least one individual the data is consistent with being in trans (on the opposite chromosome) from a pathogenic variant. ClinVar contains an entry for this variant (Variation ID: 179930). Experimental studies and prediction algorithms are not available or were not evaluated, and the functional significance of this variant is currently unknown. For these reasons, this variant has been classified as Pathogenic.

Blueprint Genetics
Classification: Pathogenic for MYO15A-related disorders. Last evaluated: 2024-03-13. Review status: criteria provided, single submitter. Criteria: ACMG Guidelines, 2015. Collection method: clinical testing. Allele origin: germline. Affected: yes. Observed: 3 variant alleles.

Fulgent Genetics
Classification: Likely pathogenic for Autosomal recessive nonsyndromic hearing loss 3. Last evaluated: 2024-02-23. Review status: criteria provided, single submitter. Criteria: ACMG Guidelines, 2015. Collection method: clinical testing. Allele origin: germline.

Mayo Clinic Laboratories, Mayo Clinic
Classification: Likely pathogenic. Last evaluated: 2023-01-13. Review status: criteria provided, single submitter. Criteria: ACMG Guidelines, 2015. Collection method: clinical testing. Allele origin: germline. Observed: 1 variant allele.
Comment: PP3, PM2_supporting, PM3_strong

Laboratory for Molecular Medicine, Mass General Brigham Personalized Medicine
Classification: Uncertain significance. Last evaluated: 2014-10-07. Review status: flagged submission. Criteria: LMM Criteria. Collection method: clinical testing. Allele origin: germline. Observed: 3 variant alleles. Not counted in ClinVar's aggregate classification.
Comment: Variant classified as Uncertain Significance - Favor Pathogenic. The p.Glu1593Ly s variant in MYO15A has been identified by our laboratory in trans with another variant of uncertain significance in MYO15A in two individuals with hearing loss in one family. It has been identified in 0.01% (1/8420) of European American c hromosomes by the NHLBI Exome Sequencing Project (VS/; dbSNP rs376469502). Although this variant has been seen in the general pop ulation, its frequency is not high enough to rule out a pathogenic role. Computa tional prediction tools and conservation analyses suggest that the Glu1593Lys va riant may impact the protein, though this information is not predictive enough t o determine pathogenicity. In summary, while available data suggest that it is more likely to be pathogenic, the clinical significance of this variant is uncer tain.
ClinVar note: Reason: Older claim that does not account for recent evidence

Molecular Diagnosis Center for Deafness
Classification: Uncertain significance for Autosomal recessive nonsyndromic hearing loss 3. Review status: flagged submission. Criteria: ClinGen HL ACMG Specifications v1. Collection method: clinical testing. Allele origin: inherited. Observed: 2 variant alleles. Not counted in ClinVar's aggregate classification.
ClinVar note: Reason: Outlier claim with insufficient supporting evidence

Literature cited by the submitters: PubMed 27344577 (cited by Victorian Clinical Genetics Services, Murdoch Childrens Research Institute and Mayo Clinic Laboratories, Mayo Clinic); PubMed 29196752 (cited by Victorian Clinical Genetics Services, Murdoch Childrens Research Institute and Mayo Clinic Laboratories, Mayo Clinic); PubMed 26969326 (cited by 4 submitters); PubMed 32860223 (cited by Labcorp Genetics (formerly Invitae), Labcorp and Mayo Clinic Laboratories, Mayo Clinic); PubMed 27375115 (cited by Mayo Clinic Laboratories, Mayo Clinic); PubMed 32617096 (cited by Mayo Clinic Laboratories, Mayo Clinic); PubMed 32658404 (cited by Mayo Clinic Laboratories, Mayo Clinic); PubMed 32802042 (cited by Mayo Clinic Laboratories, Mayo Clinic); PubMed 35346193 (cited by Mayo Clinic Laboratories, Mayo Clinic); PubMed 36217262 (cited by Mayo Clinic Laboratories, Mayo Clinic).